The following is an entry in ClinVar:

ClinVar aggregate classification (germline): Conflicting classifications of pathogenicity. Review status: criteria provided, conflicting classifications (1 of 4 stars). 2 submissions from 1 submitter: Uncertain significance (1); Benign (1). Last evaluated 2018-01-12.

Conditions:
Autosomal recessive nonsyndromic hearing loss 37. Identifiers: Orphanet 90636, MedGen C1843028, MONDO:0011912, OMIM 607821.
Autosomal dominant nonsyndromic hearing loss 22. Also called: DFNA 22; Autosomal dominant nonsyndromic deafness 22. Identifiers: Orphanet 228012, MedGen C2931767, MONDO:0011660, OMIM 606346.

Allele frequency attached by ClinVar (database versions not stated): gnomAD 0.00271 and 0.00292; 1000 Genomes Project 0.00300; TOPMed 0.00302; 1000 Genomes Project 30x 0.00344.

Submissions (2):

Illumina Laboratory Services, Illumina
Classification: Benign for Autosomal dominant nonsyndromic hearing loss 22. Last evaluated: 2018-01-12. Review status: criteria provided, single submitter. Criteria: ICSL Variant Classification Criteria 13 December 2019. Collection method: clinical testing. Allele origin: germline.
Comment: This variant was observed in the ICSL laboratory as part of a predisposition screen in an ostensibly healthy population. It had not been previously curated by ICSL or reported in the Human Gene Mutation Database (HGMD: prior to June 1st, 2018), and was therefore a candidate for classification through an automated scoring system. Utilizing variant allele frequency, disease prevalence and penetrance estimates, and inheritance mode, an automated score was calculated to assess if this variant is too frequent to cause the disease. Based on the score and internal cut-off values, a variant classified as benign is not then subjected to further curation. The score for this variant resulted in a classification of benign for this disease.

Illumina Laboratory Services, Illumina
Classification: Uncertain significance for Autosomal recessive nonsyndromic hearing loss 37. Last evaluated: 2018-01-12. Review status: criteria provided, single submitter. Criteria: ICSL Variant Classification Criteria 13 December 2019. Collection method: clinical testing. Allele origin: germline.

NM_004999.4(MYO6):c.*1287T>A

Gene: MYO6 (myosin VI; plus strand). Cytogenetic location: 6q14.1.
Variant type: single nucleotide variant.
Coding change: c.*1287T>A on transcript NM_004999.4 (MANE Select); 1287 bases downstream of the stop codon, T replaced by A.
Molecular consequence: 3 prime UTR variant. On other transcripts: non-coding transcript variant (1).
Genome position (GRCh38, 1-based): chr6:75,916,299, T>A. VCF-style: chr6-75916299-T-A. GRCh37 (hg19) VCF-style: chr6-76626016-T-A.
Other names: c.*1287T>A (NM_001300899.2, NM_001368136.1, NM_001368137.1 and 3 more transcripts).
Identifiers: ClinVar variation 909888 (VCV000909888.4), dbSNP rs570884031, ClinGen allele CA141061771.